The following is an entry in ClinVar:

NM_000246.4(CIITA):c.803del (p.Pro268fs)

Gene: CIITA (class II major histocompatibility complex transactivator; plus strand). Cytogenetic location: 16p13.13.
Variant type: Deletion.
Coding change: c.803del on transcript NM_000246.4 (MANE Select); coding-DNA position 803, one base deleted (C; older notation c.803delC).
Protein change: p.Pro268fs; shifts the reading frame from proline 268.
Molecular consequence: frameshift variant. On other transcripts: non-coding transcript variant (1).
Genome position (GRCh38, 1-based): chr16:10,903,761, C deleted; the last of 5 consecutive C bases (chr16:10,903,757-10,903,761); deleting any one gives the same sequence. VCF-style (leftmost placement, unchanged base first): chr16-10903756-AC-A. GRCh37 (hg19) VCF-style: chr16-10997613-AC-A.
Other names: c.806del, p.Pro269fs (NM_001286402.1, NM_001379332.1); c.656del, p.Pro219fs (NM_001286403.2, NM_001379331.1); c.659del, p.Pro220fs (NM_001379330.1); c.803del, p.Pro268fs (NM_001379333.1); c.734del, p.Pro245fs (NM_001379334.1); short protein forms P220fs, P245fs, P269fs, P219fs, P268fs.
Identifiers: ClinVar variation 4773824 (VCV004773824.1).
Genomic context (GRCh38, chr16:10,903,756, plus strand): 5'-GGTTATTCTCACACCACTCTCCACCCCCAATGTAGGTGAGGTGCCCCAGGCCAGCCAAGT[AC>A]CCCCTCCCAGTGGATTCACTGTCCACGGCCTCCCAACATCTCCAGACCGGCCAGGCTCCA-3'

ClinVar aggregate classification (germline): Pathogenic (1 of 4 stars; one submission).

Conditions:
MHC class II deficiency. Also called: BLS, TYPE II; Bare lymphocyte syndrome 2. Identifiers: Orphanet 572, MedGen C5447452, MONDO:0008855.

Submission:

Labcorp Genetics (formerly Invitae), Labcorp
Classification: Pathogenic for MHC class II deficiency. Last evaluated: 2025-02-15. Review status: criteria provided, single submitter. Criteria: Invitae Variant Classification Sherloc (09022015). Collection method: clinical testing. Allele origin: germline.
Comment: This sequence change creates a premature translational stop signal (p.Pro268Leufs*38) in the CIITA gene. It is expected to result in an absent or disrupted protein product. Loss-of-function variants in CIITA are known to be pathogenic (PMID: 8402893, 9099848, 26271388). This variant is not present in population databases (gnomAD no frequency). This variant has not been reported in the literature in individuals affected with CIITA-related conditions. For these reasons, this variant has been classified as Pathogenic.

Literature cited by the submitters: PubMed 8402893; PubMed 9099848; PubMed 26271388.